The following is an entry in ClinVar:

NM_016284.5(CNOT1):c.3628A>G (p.Ile1210Val)

Gene: CNOT1 (CCR4-NOT transcription complex subunit 1; minus strand). Cytogenetic location: 16q21.
Variant type: single nucleotide variant.
Coding change: c.3628A>G on transcript NM_016284.5 (MANE Select); coding-DNA position 3628, A replaced by G.
Protein change: p.Ile1210Val; replaces isoleucine 1210 with valine.
Molecular consequence: missense variant. On other transcripts: non-coding transcript variant (1).
Genome position (GRCh38, 1-based): chr16:58,547,577, T>C on the plus strand (A>G on the coding strand, the complement: CNOT1 is on the minus strand). VCF-style: chr16-58547577-T-C. GRCh37 (hg19) VCF-style: chr16-58581481-T-C.
Other names: c.3613A>G, p.Ile1205Val (NM_001265612.2); c.3628A>G, p.Ile1210Val (NM_206999.3); short protein forms I1205V, I1210V.
Identifiers: ClinVar variation 3373539 (VCV003373539.1).

ClinVar aggregate classification (germline): Uncertain significance (1 of 4 stars; one submission).

gnomAD v4.1: 12 of 1,612,924 alleles (0.00074%); highest among the groups gnomAD compares: Non-Finnish European, 0.001%; no homozygotes.

Submission:

GeneDx
Classification: Uncertain significance. Last evaluated: 2024-02-29. Review status: criteria provided, single submitter. Criteria: GeneDx Variant Classification Process June 2021. Collection method: clinical testing. Allele origin: germline. Affected: yes.
Comment: Not observed at significant frequency in large population cohorts (gnomAD); In silico analysis supports that this missense variant does not alter protein structure/function; Has not been previously published as pathogenic or benign to our knowledge